The following is an entry in ClinVar:

NM_002335.4(LRP5):c.4194C>T (p.Phe1398=)

Gene: LRP5 (LDL receptor related protein 5; plus strand). Cytogenetic location: 11q13.2.
Variant type: single nucleotide variant.
Coding change: c.4194C>T on transcript NM_002335.4 (MANE Select); coding-DNA position 4194, C replaced by T.
Protein change: p.Phe1398=; no amino-acid change (phenylalanine 1398 retained).
Molecular consequence: synonymous variant.
Genome position (GRCh38, 1-based): chr11:68,438,528, C>T. VCF-style: chr11-68438528-C-T. GRCh37 (hg19) VCF-style: chr11-68205996-C-T.
Other names: c.2451C>T, p.Phe817= (NM_001291902.2); c.4194C>T (NM_002335.3).
Identifiers: ClinVar variation 1108147 (VCV001108147.12), dbSNP rs150618161, ClinGen allele CA6150277.

ClinVar aggregate classification (germline): Likely benign. Review status: criteria provided, multiple submitters, no conflicts (2 of 4 stars). 3 submissions from 3 submitters: Likely benign (2). 1 of the submissions does not count toward it. Last evaluated 2025-08-25.

Conditions:
LRP5-related disorder. Also called: LRP5-related condition.

Allele frequency attached by ClinVar (database versions not stated): gnomAD 0.00001; TOPMed 0.00004; gnomAD exomes 0.00005 and 0.00006; ExAC 0.00007; ESP Exome Variant Server 0.00015.
gnomAD v4.1: 79 of 1,614,108 alleles (0.0049%); highest among the groups gnomAD compares: Non-Finnish European, 0.0061%; no homozygotes.

Submissions (3):

Labcorp Genetics (formerly Invitae), Labcorp
Classification: Likely benign. Last evaluated: 2025-08-25. Review status: criteria provided, single submitter. Criteria: Invitae Variant Classification Sherloc (09022015). Collection method: clinical testing. Allele origin: germline.

Blueprint Genetics
Classification: Likely benign. Last evaluated: 2024-10-22. Review status: criteria provided, single submitter. Criteria: ACMG Guidelines, 2015. Collection method: clinical testing. Allele origin: germline.

PreventionGenetics, part of Exact Sciences
Classification: Likely benign for LRP5-related condition. Last evaluated: 2019-07-22. Review status: no assertion criteria provided. Collection method: clinical testing. Allele origin: germline. Not counted in ClinVar's aggregate classification.
Comment: This variant is classified as likely benign based on ACMG/AMP sequence variant interpretation guidelines (Richards et al. 2015 PMID: 25741868, with internal and published modifications).